The following is an entry in ClinVar:

NM_001365951.3(KIF1B):c.2983A>G (p.Ile995Val)

Gene: KIF1B (kinesin family member 1B; plus strand). Cytogenetic location: 1p36.22.
Variant type: single nucleotide variant.
Coding change: c.2983A>G on transcript NM_001365951.3 (MANE Select); coding-DNA position 2983, A replaced by G.
Protein change: p.Ile995Val; replaces isoleucine 995 with valine.
Molecular consequence: missense variant.
Genome position (GRCh38, 1-based): chr1:10,334,578, A>G. VCF-style: chr1-10334578-A-G. GRCh37 (hg19) VCF-style: chr1-10394636-A-G.
Other names: c.2983A>G, p.Ile995Val (NM_001365952.1); c.2845A>G, p.Ile949Val (NM_015074.3); short protein forms I949V, I995V.
Identifiers: ClinVar variation 2497115 (VCV002497115.3), dbSNP rs1381324489, ClinGen allele CA338338711.

ClinVar aggregate classification (germline): Uncertain significance (1 of 4 stars; one submission).

Allele frequency attached by ClinVar (database versions not stated): gnomAD exomes below 0.00001; gnomAD 0.00001.
gnomAD v4.1: 5 of 1,614,012 alleles (0.00031%); highest among the groups gnomAD compares: Admixed American, 0.0017%; no homozygotes.

Submission:

Ambry Genetics
Classification: Uncertain significance. Last evaluated: 2025-09-18. Review status: criteria provided, single submitter. Criteria: Ambry Variant Classification Scheme 2023. Collection method: clinical testing. Allele origin: germline.
Comment: The p.I949V variant (also known as c.2845A>G), located in coding exon 25 of the KIF1B gene, results from an A to G substitution at nucleotide position 2845. The isoleucine at codon 949 is replaced by valine, an amino acid with highly similar properties. This amino acid position is conserved. In addition, this alteration is predicted to be tolerated by in silico analysis. Since supporting evidence is limited at this time, the clinical significance of this alteration remains unclear.